The following is an entry in ClinVar:

ClinVar aggregate classification (germline): Uncertain significance. Review status: criteria provided, multiple submitters, no conflicts (2 of 4 stars). 2 submissions from 2 submitters: Uncertain significance (2). Last evaluated 2026-01-24.

Conditions:
Fanconi anemia (FA). Also called: Fanconi's anemia. Identifiers: Orphanet 84, MedGen C0015625, MeSH D005199, MONDO:0019391.
Inborn genetic diseases. Identifiers: MedGen C0950123, MeSH D030342.

Allele frequency attached by ClinVar (database versions not stated): gnomAD exomes below 0.00001 and 0.00001; ExAC 0.00002.

Submissions (2):

Labcorp Genetics (formerly Invitae), Labcorp
Classification: Uncertain significance for Fanconi anemia. Last evaluated: 2026-01-24. Review status: criteria provided, single submitter. Criteria: Invitae Variant Classification Sherloc (09022015). Collection method: clinical testing. Allele origin: germline.
Comment: This sequence change replaces arginine, which is basic and polar, with threonine, which is neutral and polar, at codon 869 of the SLX4 protein (p.Arg869Thr). This variant is present in population databases (rs779039237, gnomAD 0.02%). This variant has not been reported in the literature in individuals affected with SLX4-related conditions. ClinVar contains an entry for this variant (Variation ID: 526351). An algorithm developed to predict the effect of missense changes on protein structure and function (PolyPhen-2) suggests that this variant is likely to be tolerated. In summary, the available evidence is currently insufficient to determine the role of this variant in disease. Therefore, it has been classified as a Variant of Uncertain Significance.

Ambry Genetics
Classification: Uncertain significance for Inborn genetic diseases. Last evaluated: 2023-10-14. Review status: criteria provided, single submitter. Criteria: Ambry Variant Classification Scheme 2023. Collection method: clinical testing. Allele origin: germline.

NM_032444.4(SLX4):c.2606G>C (p.Arg869Thr)

Gene: SLX4 (SLX4 structure-specific endonuclease subunit; minus strand). Cytogenetic location: 16p13.3.
Variant type: single nucleotide variant.
Coding change: c.2606G>C on transcript NM_032444.4 (MANE Select); coding-DNA position 2606, G replaced by C.
Protein change: p.Arg869Thr; replaces arginine 869 with threonine.
Molecular consequence: missense variant.
Genome position (GRCh38, 1-based): chr16:3,591,032, C>G on the plus strand (G>C on the coding strand, the complement: SLX4 is on the minus strand). VCF-style: chr16-3591032-C-G. GRCh37 (hg19) VCF-style: chr16-3641033-C-G.
Other names: c.2606G>C (LRG_503t1); short protein forms R869T.
Identifiers: ClinVar variation 526351 (VCV000526351.7), dbSNP rs779039237, ClinGen allele CA7866125.
Genomic context (GRCh38, chr16:3,591,032, plus strand): 5'-TGCCCAGAAACCGGACTGCCACCCTCCAGCCAGTCAGCGTCCTCGCCGGCACCCGCTGCC[C>G]TTTCTTCCTGGAGAAGCTTTCGCTGAGTAGCTGCAAATTCATAAATTTCTTCCATTTCTG-3'
Protein context (NP_115820.2, residues 859-879): ATQRKLLQEE[Arg869Thr]AAGAGEDADW